The following is an entry in ClinVar:

ClinVar aggregate classification (germline): Pathogenic. Review status: criteria provided, single submitter (1 of 4 stars). 4 submissions from 4 submitters: Pathogenic (1). 3 of the submissions do not count toward it. Last evaluated 2021-05-12.

Conditions:
CHM-related disorders.
Choroideremia, Salla type. Identifiers: MedGen C4016478.
Choroideremia. Also called: Chorioretinal scalloped atrophy. Identifiers: Orphanet 180, MedGen C0008525, MONDO:0010557, OMIM 303100, HP:0001139.

Allele frequency attached by ClinVar (database versions not stated): gnomAD exomes below 0.00001 and 0.00001; ExAC 0.00002.

Submissions (4):

Blueprint Genetics
Classification: Pathogenic for CHM-related disorders. Last evaluated: 2021-05-12. Review status: criteria provided, single submitter. Criteria: ACMG Guidelines, 2015. Collection method: clinical testing. Allele origin: germline. Affected: yes. Observed: 5 variant alleles.

OMIM
Classification: Pathogenic for CHOROIDEREMIA, SALLA TYPE. Last evaluated: 1994-07-01. Review status: no assertion criteria provided. Collection method: literature only. Allele origin: germline. Not counted in ClinVar's aggregate classification.

GeneReviews
No classification provided. Condition: Choroideremia. Review status: no classification provided. Collection method: literature only. Allele origin: germline. Affected: yes. Not counted in ClinVar's aggregate classification.

Juha Muilu Group; Institute for Molecular Medicine Finland (FIMM)
Classification: Pathogenic for Choroideremia. Review status: no assertion criteria provided. Collection method: not provided. Allele origin: unknown. Not counted in ClinVar's aggregate classification.
Comment: FinDis database variant: FinDis database variant: This variant was not found or characterized by our laboratory, data were collected from public sources: see reference
ClinVar note: Converted during submission from pathogenic to Pathogenic.

Literature cited by the submitters: PubMed 1302003 (cited by OMIM and GeneReviews); PubMed 7981670 (cited by OMIM); NCBI Bookshelf NBK1337 (cited by GeneReviews).

NM_000390.4(CHM):c.1609+2dup

Gene: CHM (CHM Rab escort protein; minus strand). Cytogenetic location: Xq21.2.
Variant type: Duplication.
Coding change: c.1609+2dup on transcript NM_000390.4 (MANE Select); the canonical splice donor site of the intron after coding-DNA position 1609, one base duplicated (T; older notation c.1609+2dupT).
Molecular consequence: splice donor variant.
Genome position (GRCh38, 1-based): chrX:85,878,963, A duplicated on the plus strand (T on the coding strand, the reverse complement: CHM is on the minus strand). VCF-style (leftmost placement, unchanged base first): chrX-85878962-T-TA. GRCh37 (hg19) VCF-style: chrX-85133967-T-TA.
Other names: IVS13DS, INS T, +2; c.1165+2dup (NM_001362519.1, NM_001362517.1, NM_001320959.1 and 1 more transcripts); c.1609+2dup (LRG_699t1).
Identifiers: ClinVar variation 56224 (VCV000056224.5), dbSNP rs386833676, ClinGen allele CA344729.